The following is an entry in ClinVar:

NM_021167.5(GATAD1):c.487G>A (p.Gly163Arg)

Gene: GATAD1 (GATA zinc finger domain containing 1; plus strand). Cytogenetic location: 7q21.2.
Variant type: single nucleotide variant.
Coding change: c.487G>A on transcript NM_021167.5 (MANE Select); coding-DNA position 487, G replaced by A.
Protein change: p.Gly163Arg; replaces glycine 163 with arginine.
Molecular consequence: missense variant. On other transcripts: non-coding transcript variant (1).
Genome position (GRCh38, 1-based): chr7:92,454,553, G>A. VCF-style: chr7-92454553-G-A. GRCh37 (hg19) VCF-style: chr7-92083867-G-A.
Other names: short protein forms G163R.
Identifiers: ClinVar variation 2448827 (VCV002448827.2), dbSNP rs778933082, ClinGen allele CA4340306.

ClinVar aggregate classification (germline): Uncertain significance (1 of 4 stars; one submission).

Conditions:
Cardiovascular phenotype. Identifiers: MedGen CN230736.

Allele frequency attached by ClinVar (database versions not stated): gnomAD exomes below 0.00001; ExAC 0.00001.
gnomAD v4.1: 1 of 1,612,928 alleles (0.000062%); highest among the groups gnomAD compares: Admixed American, 0.0017%; no homozygotes.

Submission:

Ambry Genetics
Classification: Uncertain significance for Cardiovascular phenotype. Last evaluated: 2023-03-05. Review status: criteria provided, single submitter. Criteria: Ambry Variant Classification Scheme 2023. Collection method: clinical testing. Allele origin: germline.
Comment: The p.G163R variant (also known as c.487G>A), located in coding exon 4 of the GATAD1 gene, results from a G to A substitution at nucleotide position 487. The glycine at codon 163 is replaced by arginine, an amino acid with dissimilar properties. This amino acid position is conserved. In addition, this alteration is predicted to be deleterious by in silico analysis. Since supporting evidence is limited at this time, the clinical significance of this alteration remains unclear.